The following is an entry in ClinVar:

ClinVar aggregate classification (germline): Uncertain significance (1 of 4 stars; one submission).

Conditions:
Diamond-Blackfan anemia. Also called: Blackfan Diamond syndrome; Aregenerative anemia chronic congenital; Red cell aplasia, pure hereditary; Congenital hypoplastic anemia; Aase syndrome. Identifiers: Orphanet 124, MedGen C1260899, MeSH D029503, MONDO:0015253, HP:0004810.
GATA binding protein 1 related thrombocytopenia with dyserythropoiesis. Also called: GATA1-Related Cytopenia; GATA1-Related X-Linked Cytopenia. Identifiers: MedGen C1845837, MONDO:0100089.

gnomAD v4.1: 1 of 1,204,135 alleles (0.000083%); highest among the groups gnomAD compares: Non-Finnish European, 0.00011%; no homozygotes.

Submission:

Labcorp Genetics (formerly Invitae), Labcorp
Classification: Uncertain significance for GATA binding protein 1 related thrombocytopenia with dyserythropoiesis; Diamond-Blackfan anemia. Last evaluated: 2025-08-29. Review status: criteria provided, single submitter. Criteria: Invitae Variant Classification Sherloc (09022015). Collection method: clinical testing. Allele origin: germline.
Comment: This sequence change replaces serine, which is neutral and polar, with phenylalanine, which is neutral and non-polar, at codon 46 of the GATA1 protein (p.Ser46Phe). This variant is not present in population databases (gnomAD no frequency). This variant has not been reported in the literature in individuals affected with GATA1-related conditions. Invitae Evidence Modeling of protein sequence and biophysical properties (such as structural, functional, and spatial information, amino acid conservation, physicochemical variation, residue mobility, and thermodynamic stability) has been performed for this missense variant. However, the output from this modeling did not meet the statistical confidence thresholds required to predict the impact of this variant on GATA1 protein function. In summary, the available evidence is currently insufficient to determine the role of this variant in disease. Therefore, it has been classified as a Variant of Uncertain Significance.

NM_002049.4(GATA1):c.137C>T (p.Ser46Phe)

Gene: GATA1 (GATA binding protein 1; plus strand). Cytogenetic location: Xp11.23.
Variant type: single nucleotide variant.
Coding change: c.137C>T on transcript NM_002049.4 (MANE Select); coding-DNA position 137, C replaced by T.
Protein change: p.Ser46Phe; replaces serine 46 with phenylalanine.
Molecular consequence: missense variant.
Genome position (GRCh38, 1-based): chrX:48,791,246, C>T. VCF-style: chrX-48791246-C-T. GRCh37 (hg19) VCF-style: chrX-48649653-C-T.
Other names: short protein forms S46F.
Identifiers: ClinVar variation 4782941 (VCV004782941.1).
Genomic context (GRCh38, chrX:48,791,246, plus strand): 5'-CCACACCAGAATCAGGGGTTTTCTTCCCCTCTGGGCCTGAGGGCTTGGATGCAGCAGCTT[C>T]CTCCACTGCCCCGAGCACAGCCACCGCTGCAGCTGCGGCACTGGCCTACTACAGGGACGC-3'
Protein context (NP_002040.1, residues 36-56): SGPEGLDAAA[Ser46Phe]STAPSTATAA